The following is an entry in ClinVar:

ClinVar aggregate classification (germline): Uncertain significance. Review status: criteria provided, multiple submitters, no conflicts (2 of 4 stars). 2 submissions from 2 submitters: Uncertain significance (2). Last evaluated 2025-03-13.

Submissions (2):

GeneDx
Classification: Uncertain significance. Last evaluated: 2025-03-13. Review status: criteria provided, single submitter. Criteria: GeneDx Variant Classification Process June 2021. Collection method: clinical testing. Allele origin: germline. Affected: yes.
Comment: In-frame deletion of 1 amino acid(s) in a non-repeat region; In silico analysis supports a deleterious effect on protein structure/function; Has not been previously published as pathogenic or benign to our knowledge

Labcorp Genetics (formerly Invitae), Labcorp
Classification: Uncertain significance. Last evaluated: 2022-07-26. Review status: criteria provided, single submitter. Criteria: Invitae Variant Classification Sherloc (09022015). Collection method: clinical testing. Allele origin: germline.
Comment: This variant, c.5080_5082del, results in the deletion of 1 amino acid(s) of the CAD protein (p.Glu1694del), but otherwise preserves the integrity of the reading frame. This variant is present in population databases (rs754232171, gnomAD 0.006%). This variant has not been reported in the literature in individuals affected with CAD-related conditions. Experimental studies and prediction algorithms are not available or were not evaluated, and the functional significance of this variant is currently unknown. In summary, the available evidence is currently insufficient to determine the role of this variant in disease. Therefore, it has been classified as a Variant of Uncertain Significance.

NM_004341.5(CAD):c.5077GAG[1] (p.Glu1694del)

Gene: CAD (carbamoyl-phosphate synthetase 2, aspartate transcarbamylase, and dihydroorotase; plus strand). Cytogenetic location: 2p23.3.
Variant type: Microsatellite.
Coding change: c.5077GAG[1] on transcript NM_004341.5 (MANE Select); one copy of the 3-base unit GAG starting at c.5077; the reference has two copies in a row; one copy, 3 bases deleted; also written c.5080_5082del.
Protein change: p.Glu1694del; deletes glutamic acid 1694.
Molecular consequence: inframe deletion.
Genome position (GRCh38, 1-based): chr2:27,239,059-27,239,061, GAG deleted; deleting any 3 consecutive bases within chr2:27,239,055-27,239,061 gives the same sequence; the position shown is the placement nearest the transcript's 3' end. VCF-style (leftmost placement, unchanged base first): chr2-27239054-TGGA-T. GRCh37 (hg19) VCF-style: chr2-27461922-TGGA-T.
Other names: c.4888GAG[1], p.Glu1631del (NM_001306079.2); c.5080_5082del (NM_004341.3); short protein forms E1631del, E1694del.
Identifiers: ClinVar variation 1509955 (VCV001509955.4), dbSNP rs754232171, ClinGen allele CA1573747.